The following is an entry in ClinVar:

ClinVar aggregate classification (germline): Uncertain significance (1 of 4 stars; one submission).

Conditions:
Hereditary cancer-predisposing syndrome. Also called: Tumor predisposition; Neoplastic Syndromes, Hereditary; Hereditary Cancer Syndrome; Hereditary neoplastic syndrome. Identifiers: Orphanet 140162, MedGen C0027672, MeSH D009386, MONDO:0015356.

Submission:

Ambry Genetics
Classification: Uncertain significance for Hereditary cancer-predisposing syndrome. Last evaluated: 2024-10-11. Review status: criteria provided, single submitter. Criteria: Ambry Variant Classification Scheme 2023. Collection method: clinical testing. Allele origin: germline.
Comment: The p.Q83H variant (also known as c.249A>C), located in coding exon 3 of the BRIP1 gene, results from an A to C substitution at nucleotide position 249. The glutamine at codon 83 is replaced by histidine, an amino acid with highly similar properties. This amino acid position is conserved. In addition, this alteration is predicted to be tolerated by in silico analysis. Based on the available evidence, the clinical significance of this variant remains unclear.

NM_032043.3(BRIP1):c.249A>C (p.Gln83His)

Gene: BRIP1 (BRCA1 interacting DNA helicase 1; minus strand). Cytogenetic location: 17q23.2.
Variant type: single nucleotide variant.
Coding change: c.249A>C on transcript NM_032043.3 (MANE Select); coding-DNA position 249, A replaced by C.
Protein change: p.Gln83His; replaces glutamine 83 with histidine.
Molecular consequence: missense variant.
Genome position (GRCh38, 1-based): chr17:61,857,188, T>G on the plus strand (A>C on the coding strand, the complement: BRIP1 is on the minus strand). VCF-style: chr17-61857188-T-G. GRCh37 (hg19) VCF-style: chr17-59934549-T-G.
Other names: short protein forms Q83H.
Identifiers: ClinVar variation 3482457 (VCV003482457.1).